The following is an entry in ClinVar:

ClinVar aggregate classification (germline): Benign (3 of 4 stars; one submission).

Conditions:
Breast-ovarian cancer, familial, susceptibility to, 2 (BROVCA2). Also called: BRCA2 Hereditary Breast and Ovarian Cancer. Identifiers: Orphanet 145, MedGen C2675520, MONDO:0012933, OMIM 612555. Disease mechanism: loss of function.

Allele frequency attached by ClinVar (database versions not stated): gnomAD 0.00353 and 0.00372; 1000 Genomes Project 30x 0.01530; 1000 Genomes Project 0.07548.
gnomAD v4.1: 500 of 142,326 alleles (0.35%); highest among the groups gnomAD compares: African/African-American, 0.95%; 7 homozygotes.

Submission:

Evidence-based Network for the Interpretation of Germline Mutant Alleles (ENIGMA)
Classification: Benign for Breast-ovarian cancer, familial, susceptibility to, 2. Last evaluated: 2016-09-28. Review status: reviewed by expert panel. Criteria: ENIGMA BRCA1/2 Classification Criteria (2015). Collection method: curation. Allele origin: germline.
Comment: Class 1 not pathogenic based on frequency >1% in an outbred sampleset. Frequency 0.0348 (European), 0.0393 (African), 0.0922 (Admixed American/Latino), 0.0962 (East Asian), 0.1329 (South Asian), derived from 1000 genomes (2013-05-02).

NM_000059.4(BRCA2):c.7007+1407C>T

Gene: BRCA2 (BRCA2 DNA repair associated; plus strand). Cytogenetic location: 13q13.1.
Variant type: single nucleotide variant.
Coding change: c.7007+1407C>T on transcript NM_000059.4 (MANE Select); 1407 bases into the intron after coding-DNA position 7007, C replaced by T.
Molecular consequence: intron variant.
Genome position (GRCh38, 1-based): chr13:32,348,303, C>T. VCF-style: chr13-32348303-C-T. GRCh37 (hg19) VCF-style: chr13-32922440-C-T.
Identifiers: ClinVar variation 264972 (VCV000264972.1), dbSNP rs74047010, ClinGen allele CA10588109.